The following is an entry in ClinVar:

ClinVar aggregate classification (germline): Benign. Review status: criteria provided, multiple submitters, no conflicts (2 of 4 stars). 5 submissions from 4 submitters: Benign (3). 2 of the submissions do not count toward it. Last evaluated 2024-07-12.

Conditions:
CDKL5 disorder. Identifiers: MedGen CN296942, MONDO:0100039.

Allele frequency attached by ClinVar (database versions not stated): TOPMed 0.28937; 1000 Genomes Project 30x 0.35172.
gnomAD v4.1: 245,335 of 781,995 alleles (31%); highest among the groups gnomAD compares: Admixed American, 50%; 28,867 homozygotes.

Submissions (5):

Centre for Population Genomics, CPG
Classification: Benign for CDKL5 disorder. Last evaluated: 2024-07-12. Review status: criteria provided, single submitter. Criteria: McKnight et al. (Hum Mutat. 2022). Collection method: curation. Allele origin: germline. Inheritance: X-linked inheritance.
Comment: This variant has been collected from RettBASE and curated to current modified ACMG/AMP criteria. Based on the classification scheme defined by the ClinGen Rett/Angelman-like Expert Panel for Rett/AS-like Disorders Specifications to the ACMG/AMP Variant Interpretation Guidelines VCEP 3.0, this variant is classified as benign. At least the following criteria are met: The allele frequency of this variant in at least one population in gnomAD v4 is higher than the 0.03% threshold defined by the ClinGen Rett/Angelman-like Expert Panel for Rett/AS-like Disorders VCEP 3.0 (BA1).

GeneDx
Classification: Benign. Last evaluated: 2018-06-14. Review status: criteria provided, single submitter. Criteria: GeneDx Variant Classification (06012015). Collection method: clinical testing. Allele origin: germline. Affected: yes.
Comment: This variant is considered likely benign or benign based on one or more of the following criteria: it is a conservative change, it occurs at a poorly conserved position in the protein, it is predicted to be benign by multiple in silico algorithms, and/or has population frequency not consistent with disease.

Breakthrough Genomics
Classification: Benign. Review status: criteria provided, single submitter. Criteria: ACMG Guidelines, 2015. Collection method: not provided. Allele origin: germline. Inheritance: X-linked inheritance. Affected: yes.

RettBASE
Classification: Benign. Last evaluated: 2014-03-13. Review status: no assertion criteria provided. Collection method: curation. Allele origin: unknown. Observed: 1 variant allele. Not counted in ClinVar's aggregate classification.
Comment: Common SNP

RettBASE
No classification provided. Review status: flagged submission. Collection method: not provided. Allele origin: not provided. Not counted in ClinVar's aggregate classification.
ClinVar note: Reason: This record appears to be redundant with a more recent record from the same submitter.
ClinVar note: Notes: SCV000189209 appears to be redundant with SCV000222263.

Literature cited by the submitters: PubMed 21775177 (cited by RettBASE).

NM_001323289.2(CDKL5):c.283-99C>A

Gene: CDKL5 (cyclin dependent kinase like 5; plus strand). Cytogenetic location: Xp22.13.
Variant type: single nucleotide variant.
Coding change: c.283-99C>A on transcript NM_001323289.2 (MANE Select); 99 bases into the intron before coding-DNA position 283, C replaced by A.
Molecular consequence: intron variant.
Genome position (GRCh38, 1-based): chrX:18,579,749, C>A. VCF-style: chrX-18579749-C-A. GRCh37 (hg19) VCF-style: chrX-18597869-C-A.
Other names: c.283-99C>A (NM_003159.3, NM_001037343.2).
Identifiers: ClinVar variation 156085 (VCV000156085.6), dbSNP rs4825261, ClinGen allele CA199341.